The following is an entry in ClinVar:

NM_001256715.2(DNAAF3):c.773G>C (p.Gly258Ala)

Genes: DNAAF3 (dynein axonemal assembly factor 3; minus strand), DNAAF3-AS1 (DNAAF3 antisense RNA 1; plus strand). Cytogenetic location: 19q13.42.
Variant type: single nucleotide variant.
Coding change: c.773G>C on transcript NM_001256715.2 (MANE Select); coding-DNA position 773, G replaced by C.
Protein change: p.Gly258Ala; replaces glycine 258 with alanine.
Molecular consequence: missense variant.
Genome position (GRCh38, 1-based): chr19:55,161,309, C>G on the plus strand (G>C on the coding strand, the complement: DNAAF3 is on the minus strand). VCF-style: chr19-55161309-C-G. GRCh37 (hg19) VCF-style: chr19-55672677-C-G.
Other names: c.977G>C, p.Gly326Ala (NM_001256714.1); c.611G>C, p.Gly204Ala (NM_001256716.2); c.914G>C, p.Gly305Ala (NM_178837.4); short protein forms G305A, G258A, G204A, G326A.
Identifiers: ClinVar variation 1768171 (VCV001768171.30), dbSNP rs776223691, ClinGen allele CA9668075.
Genomic context (GRCh38, chr19:55,161,309, plus strand): 5'-CTCCGAGCAGCAGCAGTGGGCCAGGACAGGCAGTGGACACGCACGTAGCTCAGGAGGCGA[C>G]CGGACGCCAGGGTCCGGTTGGGCACATGATAGGCGCTGGAGTCCCTGAGTTCAAAGGCGA-3'
Protein context (NP_001243644.1, residues 248-268): YHVPNRTLAS[Gly258Ala]RLLSYRGERV

ClinVar aggregate classification (germline): Uncertain significance. Review status: criteria provided, multiple submitters, no conflicts (2 of 4 stars). 4 submissions from 4 submitters: Uncertain significance (4). Last evaluated 2024-07-24.

Conditions:
Primary ciliary dyskinesia. Also called: Ciliary dyskinesia. Identifiers: Orphanet 244, MedGen C0008780, MONDO:0016575, HP:0012265.
Primary ciliary dyskinesia 2. Also called: CILIARY DYSKINESIA, PRIMARY, 2, WITH OR WITHOUT SITUS INVERSUS. Identifiers: Orphanet 244, MedGen C1847554, MONDO:0011718, OMIM 606763.

Allele frequency attached by ClinVar (database versions not stated): gnomAD 0.00001; TOPMed 0.00002; gnomAD exomes 0.00004; ExAC 0.00005.
gnomAD v4.1: 56 of 1,610,268 alleles (0.0035%); highest among the groups gnomAD compares: Admixed American, 0.013%; no homozygotes.

Submissions (4):

Ambry Genetics
Classification: Uncertain significance for Primary ciliary dyskinesia. Last evaluated: 2024-07-24. Review status: criteria provided, single submitter. Criteria: Ambry Variant Classification Scheme 2023. Collection method: clinical testing. Allele origin: germline.
Comment: The p.G326A variant (also known as c.977G>C), located in coding exon 7 of the DNAAF3 gene, results from a G to C substitution at nucleotide position 977. The glycine at codon 326 is replaced by alanine, an amino acid with similar properties. This amino acid position is highly conserved in available vertebrate species. In addition, this alteration is predicted to be tolerated by in silico analysis. Since supporting evidence is limited at this time, the clinical significance of this alteration remains unclear.

CeGaT Center for Human Genetics Tuebingen
Classification: Uncertain significance. Last evaluated: 2023-11-01. Review status: criteria provided, single submitter. Criteria: CeGaT Center For Human Genetics Tuebingen Variant Classification Criteria Version 2. Collection method: clinical testing. Allele origin: germline. Affected: yes. Observed: 1 variant allele.
Comment: DNAAF3: PM2

Labcorp Genetics (formerly Invitae), Labcorp
Classification: Uncertain significance for Primary ciliary dyskinesia. Last evaluated: 2022-07-30. Review status: criteria provided, single submitter. Criteria: Invitae Variant Classification Sherloc (09022015). Collection method: clinical testing. Allele origin: germline.
Comment: This sequence change replaces glycine, which is neutral and non-polar, with alanine, which is neutral and non-polar, at codon 326 of the DNAAF3 protein (p.Gly326Ala). This variant is present in population databases (rs776223691, gnomAD 0.02%). This variant has not been reported in the literature in individuals affected with DNAAF3-related conditions. Algorithms developed to predict the effect of missense changes on protein structure and function are either unavailable or do not agree on the potential impact of this missense change (SIFT: "Tolerated"; PolyPhen-2: "Probably Damaging"; Align-GVGD: "Class C0"). In summary, the available evidence is currently insufficient to determine the role of this variant in disease. Therefore, it has been classified as a Variant of Uncertain Significance.

Revvity Omics, Revvity
Classification: Uncertain significance for Primary ciliary dyskinesia 2. Last evaluated: 2020-08-13. Review status: criteria provided, single submitter. Criteria: ACMG Guidelines, 2015. Collection method: clinical testing. Allele origin: germline.